The following is an entry in ClinVar:

NM_001035.3(RYR2):c.494C>A (p.Ala165Asp)

Gene: RYR2 (ryanodine receptor 2; plus strand). Cytogenetic location: 1q43.
Variant type: single nucleotide variant.
Coding change: c.494C>A on transcript NM_001035.3 (MANE Select); coding-DNA position 494, C replaced by A.
Protein change: p.Ala165Asp; replaces alanine 165 with aspartic acid.
Molecular consequence: missense variant.
Genome position (GRCh38, 1-based): chr1:237,377,353, C>A. VCF-style: chr1-237377353-C-A. GRCh37 (hg19) VCF-style: chr1-237540653-C-A.
Other names: short protein forms A165D.
Identifiers: ClinVar variation 3776659 (VCV003776659.1).
Genomic context (GRCh38, chr1:237,377,353, plus strand): 5'-TTCATGTTTCACATATCCGTATATCTGCAGGGGAGGCTTGTTGGTGGACCATACACCCTG[C>A]CTCTAAGCAGCGATCAGAAGGAGAAAAAGTACGAGTTGGAGATGACCTCATCTTAGTTAG-3'
Protein context (NP_001026.2, residues 155-175): GEACWWTIHP[Ala165Asp]SKQRSEGEKV

ClinVar aggregate classification (germline): Likely pathogenic (1 of 4 stars; one submission).

Submission:

GeneDx
Classification: Likely pathogenic. Last evaluated: 2024-10-01. Review status: criteria provided, single submitter. Criteria: GeneDx Variant Classification Process June 2021. Collection method: clinical testing. Allele origin: germline. Affected: yes.
Comment: Observed in an individual with CPVT and sudden cardiac death (PMID: 22383456); Not observed at significant frequency in large population cohorts (gnomAD); Published functional studies demonstrate a damaging effect: electrophysiological studies in cardiomyocytes indicate an increase in delayed afterdepolarization (DAD) and increased intracellular calcium release, and A165D knock-in mice recapitulate the CPVT phenotype (PMID: 29477366); In silico analysis supports that this missense variant has a deleterious effect on protein structure/function; Located in one of the three hot-spot regions of the RYR2 gene, where the majority of pathogenic missense variants occur (PMID: 19926015); This variant is associated with the following publications: (PMID: 29477366, 36311249, 19926015, 35677449, 36450727, 32152366, 22383456)